The following is an entry in ClinVar:

NM_005560.6(LAMA5):c.9816C>T (p.Gly3272=)

Gene: LAMA5 (laminin subunit alpha 5; minus strand). Cytogenetic location: 20q13.33.
Variant type: single nucleotide variant.
Coding change: c.9816C>T on transcript NM_005560.6 (MANE Select); coding-DNA position 9816, C replaced by T.
Protein change: p.Gly3272=; no amino-acid change (glycine 3272 retained).
Molecular consequence: synonymous variant.
Genome position (GRCh38, 1-based): chr20:62,311,527, G>A on the plus strand (C>T on the coding strand, the complement: LAMA5 is on the minus strand). VCF-style: chr20-62311527-G-A. GRCh37 (hg19) VCF-style: chr20-60886583-G-A.
Identifiers: ClinVar variation 3030083 (VCV003030083.2), dbSNP rs1411518411, ClinGen allele CA511325028.

ClinVar aggregate classification (germline): Likely benign (0 of 4 stars; one submission).

Conditions:
LAMA5-related disorder. Also called: LAMA5-Related Disorders; LAMA5-related condition.

Allele frequency attached by ClinVar (database versions not stated): gnomAD exomes below 0.00001; TOPMed below 0.00001.
gnomAD v4.1: 3 of 1,609,762 alleles (0.00019%); highest among the groups gnomAD compares: Middle Eastern, 0.017%; no homozygotes.

Submission:

PreventionGenetics, part of Exact Sciences
Classification: Likely benign for LAMA5-related condition. Last evaluated: 2024-02-09. Review status: no assertion criteria provided. Collection method: clinical testing. Allele origin: germline.
Comment: This variant is classified as likely benign based on ACMG/AMP sequence variant interpretation guidelines (Richards et al. 2015 PMID: 25741868, with internal and published modifications).